The following is an entry in ClinVar:

ClinVar aggregate classification (germline): Pathogenic (1 of 4 stars; one submission).

Conditions:
Interstitial lung disease 2 (ILD2). Also called: Familial idiopathic pulmonary fibrosis; FIBROCYSTIC PULMONARY DYSPLASIA; FIBROSING ALVEOLITIS, CRYPTOGENIC. Identifiers: Orphanet 2032, Orphanet 79126, MedGen C5561926, MONDO:0800497, OMIM 178500, MONDO:0800029.
Dyskeratosis congenita, autosomal dominant 2. Identifiers: MedGen C3151443, MONDO:0013521, OMIM 613989.

Submission:

Labcorp Genetics (formerly Invitae), Labcorp
Classification: Pathogenic for Dyskeratosis congenita, autosomal dominant, 2; Idiopathic fibrosing alveolitis, chronic form. Last evaluated: 2020-01-06. Review status: criteria provided, single submitter. Criteria: Invitae Variant Classification Sherloc (09022015). Collection method: clinical testing. Allele origin: germline.
Comment: This sequence change creates a premature translational stop signal (p.Trp478*) in the TERT gene. It is expected to result in an absent or disrupted protein product. This variant is not present in population databases (ExAC no frequency). This variant has not been reported in the literature in individuals with TERT-related conditions. Loss-of-function variants in TERT are known to be pathogenic (PMID: 16247010, 17460043). For these reasons, this variant has been classified as Pathogenic.

NM_198253.3(TERT):c.1434G>A (p.Trp478Ter)

Gene: TERT (telomerase reverse transcriptase; minus strand). Cytogenetic location: 5p15.33.
Variant type: single nucleotide variant.
Coding change: c.1434G>A on transcript NM_198253.3 (MANE Select); coding-DNA position 1434, G replaced by A.
Protein change: p.Trp478Ter; replaces tryptophan 478 with a stop codon.
Molecular consequence: nonsense. On other transcripts: non-coding transcript variant (2).
Genome position (GRCh38, 1-based): chr5:1,293,452, C>T on the plus strand (G>A on the coding strand, the complement: TERT is on the minus strand). VCF-style: chr5-1293452-C-T. GRCh37 (hg19) VCF-style: chr5-1293567-C-T.
Other names: c.1434G>A, p.Trp478Ter (NM_001193376.3); short protein forms W478*.
Identifiers: ClinVar variation 843002 (VCV000843002.1), dbSNP rs1751122711, ClinGen allele CA359085649.